The following is an entry in ClinVar:

ClinVar aggregate classification (germline): Likely pathogenic (1 of 4 stars; one submission).

Conditions:
Muscular dystrophy-dystroglycanopathy (congenital with brain and eye anomalies), type A, 7. Also called: WALKER-WARBURG SYNDROME OR MUSCLE-EYE-BRAIN DISEASE, ISPD-RELATED; Congenital muscular dystrophy-dystroglycanopathy with brain and eye anomalies, type A7. Identifiers: Orphanet 899, MedGen C3553330, MONDO:0013835, OMIM 614643.
Autosomal recessive limb-girdle muscular dystrophy type 2U. Also called: Muscular dystrophy-dystroglycanopathy (limb-girdle), type c, 7; MUSCULAR DYSTROPHY, LIMB-GIRDLE, TYPE 2U. Identifiers: Orphanet 352479, MedGen C5190987, MONDO:0014474, OMIM 616052.

Submission:

Labcorp Genetics (formerly Invitae), Labcorp
Classification: Likely pathogenic for Muscular dystrophy-dystroglycanopathy (congenital with brain and eye anomalies), type A, 7; Autosomal recessive limb-girdle muscular dystrophy type 2U. Last evaluated: 2019-07-24. Review status: criteria provided, single submitter. Criteria: Invitae Variant Classification Sherloc (09022015). Collection method: clinical testing. Allele origin: germline.
Comment: In summary, the currently available evidence indicates that the variant is pathogenic, but additional data are needed to prove that conclusively. Therefore, this variant has been classified as Likely Pathogenic. This sequence change affects a donor splice site in intron 6 of the ISPD gene. It is expected to disrupt RNA splicing and likely results in an absent or disrupted protein product. This variant is not present in population databases (ExAC no frequency). This variant has not been reported in the literature in individuals with ISPD-related conditions. Donor and acceptor splice site variants typically lead to a loss of protein function (PMID: 16199547), and loss-of-function variants in ISPD are known to be pathogenic (PMID: 23288328).

Literature cited by the submitters: PubMed 16199547; PubMed 23288328.

NM_001101426.4(CRPPA):c.933+1G>A

Gene: CRPPA (CDP-L-ribitol pyrophosphorylase A; minus strand). Cytogenetic location: 7p21.2.
Variant type: single nucleotide variant.
Coding change: c.933+1G>A on transcript NM_001101426.4 (MANE Select); the canonical splice donor site of the intron after coding-DNA position 933, G replaced by A.
Molecular consequence: splice donor variant.
Genome position (GRCh38, 1-based): chr7:16,278,128, C>T on the plus strand (G>A on the coding strand, the complement: CRPPA is on the minus strand). VCF-style: chr7-16278128-C-T. GRCh37 (hg19) VCF-style: chr7-16317753-C-T.
Other names: c.783+1G>A (NM_001101417.4); c.828+1G>A (NM_001368197.1).
Identifiers: ClinVar variation 956079 (VCV000956079.7), dbSNP rs1784247205, ClinGen allele CA367001204.
Genomic context (GRCh38, chr7:16,278,128, plus strand): 5'-CTTTATACTATAAAAGTTTTTGGCAATCAAAGTTTATCAAACTCAGTCTTTGAATACTTA[C>T]ATTTAATTCACTTTTCAGCACTTCTTCAAGAAGATGACCTACATGTTTGTTATCTTCTTC-3'